The following is an entry in ClinVar:

ClinVar aggregate classification (germline): Benign (1 of 4 stars; one submission).

Submission:

CeGaT Center for Human Genetics Tuebingen
Classification: Benign. Last evaluated: 2022-08-01. Review status: criteria provided, single submitter. Criteria: CeGaT Center For Human Genetics Tuebingen Variant Classification Criteria Version 2. Collection method: clinical testing. Allele origin: germline. Affected: yes. Observed: 2 variant alleles.
Comment: RAI1: BS1, BS2

NM_030665.4(RAI1):c.5660-974_5660-973insTTATTATTTT

Gene: RAI1 (retinoic acid induced 1; plus strand). Cytogenetic location: 17p11.2.
Variant type: Microsatellite.
Coding change: c.5660-974_5660-973insTTATTATTTT on transcript NM_030665.4 (MANE Select); 974 bases into the intron before coding-DNA position 5660 through 973 bases into the intron before coding-DNA position 5660, TTATTATTTT inserted.
Molecular consequence: intron variant.
Genome position: GRCh38 VCF-style: chr17-17808414-A-ATTTTATTATT. GRCh37 (hg19) VCF-style: chr17-17711728-A-ATTTTATTATT.
Identifiers: ClinVar variation 2647528 (VCV002647528.24), dbSNP rs1266596226.